The following is an entry in ClinVar:

NM_000344.4(SMN1):c.859G>C (p.Gly287Arg)

Gene: SMN1 (survival of motor neuron 1, telomeric). Cytogenetic location: 5q13.2.
Variant type: single nucleotide variant.
Coding change: c.859G>C on transcript NM_000344.4 (MANE Select); coding-DNA position 859, G replaced by C.
Protein change: p.Gly287Arg; replaces glycine 287 with arginine.
Molecular consequence: missense variant. On other transcripts: intron variant (1).
Genome position (GRCh38, 1-based): chr5:70,951,965, G>C. VCF-style: chr5-70951965-G-C. GRCh37 (hg19) VCF-style: chr5-70247792-G-C.
Other names: c.763G>C, p.Gly255Arg (NM_022874.2); c.835-474G>C (NM_001297715.1); short protein forms G255R, G287R.
Identifiers: ClinVar variation 3339588 (VCV003339588.2).
Genomic context (GRCh38, chr5:70,951,965, plus strand): 5'-AGCTATTTTTTTTAACTTCCTTTATTTTCCTTACAGGGTTTCAGACAAAATCAAAAAGAA[G>C]GAAGGTGCTCACATTCCTTAAATTAAGGAGTAAGTCTGCCAGCATTATGAAAGTGAATCT-3'
Protein context (NP_000335.1, residues 277-294): YMGFRQNQKE[Gly287Arg]RCSHSLN

ClinVar aggregate classification (germline): Uncertain significance (1 of 4 stars; one submission).

gnomAD v4.1: 1 of 1,612,830 alleles (0.000062%); highest among the groups gnomAD compares: South Asian, 0.0011%; no homozygotes.

Submission:

Women's Health and Genetics/Laboratory Corporation of America, LabCorp
Classification: Uncertain significance. Last evaluated: 2025-03-13. Review status: criteria provided, single submitter. Criteria: LabCorp Variant Classification Summary - May 2015. Collection method: clinical testing. Allele origin: germline.
Comment: Variant summary: SMN1 c.859G>C (p.Gly287Arg) results in a non-conservative amino acid change in the encoded protein sequence. Three of five in-silico tools predict a damaging effect of the variant on protein function. The variant was absent in 248292 control chromosomes. The available data on variant occurrences in the general population are insufficient to allow any conclusion about variant significance. To our knowledge, no occurrence of c.859G>C in individuals affected with Spinal Muscular Atrophy and no experimental evidence demonstrating its impact on protein function have been reported. ClinVar contains an entry for this variant (Variation ID: 3339588). Based on the evidence outlined above, the variant was classified as uncertain significance.